The following is an entry in ClinVar:

NM_000492.4(CFTR):c.3485G>A (p.Arg1162Gln)

Genes: CFTR (CF transmembrane conductance regulator; plus strand), CFTR-AS2 (CFTR antisense RNA 2; minus strand). Cytogenetic location: 7q31.2.
Variant type: single nucleotide variant.
Coding change: c.3485G>A on transcript NM_000492.4 (MANE Select); coding-DNA position 3485, G replaced by A.
Protein change: p.Arg1162Gln; replaces arginine 1162 with glutamine.
Molecular consequence: missense variant.
Genome position (GRCh38, 1-based): chr7:117,627,538, G>A. VCF-style: chr7-117627538-G-A. GRCh37 (hg19) VCF-style: chr7-117267592-G-A.
Other names: short protein forms R1162Q.
Identifiers: ClinVar variation 555228 (VCV000555228.33), dbSNP rs1800120, ClinGen allele CA4451485.

ClinVar aggregate classification (germline): Uncertain significance. Review status: criteria provided, multiple submitters, no conflicts (2 of 4 stars). 14 submissions from 14 submitters: Uncertain significance (12). 2 of the submissions do not count toward it. Last evaluated 2026-03-09.

Conditions:
CFTR-related disorder (CFTR-RD). Also called: CFTR-related disorders; CFTR-related condition. Identifiers: MedGen C5924204, MONDO:7770004.
Bronchiectasis with or without elevated sweat chloride 1 (BESC1). Also called: Cystic Fibrosis-Like Syndrome. Identifiers: Orphanet 60033, MedGen C2749757, MONDO:0008887, OMIM 211400.
Hereditary pancreatitis (PCTT). Also called: Hereditary chronic pancreatitis; PRSS1-Related Hereditary Pancreatitis. Identifiers: Orphanet 676, MedGen C0238339, MONDO:0008185, OMIM 167800.
Cystic fibrosis (CF). Also called: MUCOVISCIDOSIS. Identifiers: Orphanet 586, MedGen C0010674, MONDO:0009061, OMIM 219700. Disease mechanism: loss of function.
Congenital bilateral aplasia of vas deferens from CFTR mutation (CBAVD). Identifiers: Orphanet 48, MedGen C0403814, MONDO:0010178, OMIM 277180. Disease mechanism: loss of function.

Allele frequency attached by ClinVar (database versions not stated): TOPMed 0.00017.
gnomAD v4.1: 81 of 1,613,030 alleles (0.005%); highest among the groups gnomAD compares: Middle Eastern, 0.082%; no homozygotes.

Submissions 1 to 8 of 14:

Women's Health and Genetics/Laboratory Corporation of America, LabCorp
Classification: Uncertain significance. Last evaluated: 2026-03-09. Review status: criteria provided, single submitter. Criteria: LabCorp Variant Classification Summary - May 2015. Collection method: clinical testing. Allele origin: germline.
Comment: Variant summary: CFTR c.3485G>A (p.Arg1162Gln) results in a conservative amino acid change in the encoded protein sequence. Algorithms developed to predict the effect of missense changes on protein structure and function are either unavailable or do not agree on the potential impact of this missense change. The variant allele was found at a frequency of 8.8e-05 in 250616 control chromosomes. This frequency is not significantly higher than estimated for disease-causing variants in CFTR, allowing no conclusion about variant significance. c.3485G>A has been reported in the literature in individuals affected with Cystic Fibrosis and pancreatitis, without strong evidence for causality (example: Strandvik_2001, Monaghan_2000, Atag_2019, Benjar_2020, Benjar_2020). These report(s) do not provide unequivocal conclusions about association of the variant with Cystic Fibrosis. At least one publication reports experimental evidence evaluating an impact on protein function. These results showed no damaging effect of this variant (e.g. Bihler_2024). The following publications have been ascertained in the context of this evaluation (PMID: 30938940, 32292813, 32026723, 38388235, 10982968, 11788090, 39291770). ClinVar contains an entry for this variant (Variation ID: 555228). Based on the evidence outlined above, the variant was classified as uncertain significance.

Blueprint Genetics
Classification: Uncertain significance. Last evaluated: 2024-10-21. Review status: criteria provided, single submitter. Criteria: ACMG Guidelines, 2015. Collection method: clinical testing. Allele origin: germline.

ARUP Laboratories, Molecular Genetics and Genomics, ARUP Laboratories
Classification: Uncertain significance. Last evaluated: 2024-03-29. Review status: criteria provided, single submitter. Criteria: ARUP Molecular Germline Variant Investigation Process 2024. Collection method: clinical testing. Allele origin: germline.
Comment: The CFTR c.3485G>A; p.Arg1162Gln variant (rs1800120) is reported in the literature in individuals with cystic fibrosis and pancreatitis (Atag 2019, Banjar 2020, Monaghan 2000) and at least one individual with atypical cystic fibrosis (Strandvik 2001). This variant is reported in ClinVar (Variation ID: 555228), and is found in the general population with an overall allele frequency of 0.0089% (25/282012 alleles) in the Genome Aggregation Database (v2.1.1). Computational analyses predict that this variant is deleterious (REVEL: 0.812). Additionally, another variant at this codon (c.3485G>T, p.Arg1162Leu) has been reported in individuals with CFTR-related disorders, such as bronchiectasis and chronic pancreatitis, and is considered mildly pathogenic (Casals 2004, Groman 2002, Lazaro 1999, Ziedalski 2006). However, given the limited clinical data and lack of functional data, the significance of this variant is uncertain at this time. References: Atag E et al. Novel mutations and deletions in cystic fibrosis in a tertiary cystic fibrosis center in Istanbul. Pediatr Pulmonol. 2019 Jun;54(6):743-750. PMID: 30938940. Banjar HH et al. Genotype patterns for mutations of the cystic fibrosis transmembrane conductance regulator gene: a retrospective descriptive study from Saudi Arabia. Ann Saudi Med. 2020 Jan-Feb;40(1):15-24. PMID: 32026723. Casals T et al. Different CFTR mutational spectrum in alcoholic and idiopathic chronic pancreatitis? Pancreas. 2004; 28(4):374-9. PMID: 15097853. Groman J et al. Variant cystic fibrosis phenotypes in the absence of CFTR mutations. N Engl J Med. 2002; 347(6):401-7. PMID: 12167682. Lazaro C et al. Missense mutations in the cystic fibrosis gene in adult patients with asthma. Hum Mutat. 1999; 14(6):510-9. PMID: 10571949. Monaghan KG et al. Mutation analysis of the cystic fibrosis and cationic trypsinogen genes in patients with alcohol-related pancreatitis. Am J Med Genet. 2000 Sep 11;94(2):120-4. PMID: 10982968. Strandvik B et al. Spectrum of mutations in the CFTR gene of patients with classical and atypical forms of cystic fibrosis from southwestern Sweden: identification of 12 novel mutations. Genet Test. 2001 Fall;5(3):235-42. PMID: 11788090. Ziedalski T et al. Prospective analysis of cystic fibrosis transmembrane regulator mutations in adults with bronchiectasis or pulmonary nontuberculous mycobacterial infection. Chest. 2006; 130(4):995-1002. PMID: 17035430.

Johns Hopkins Genomics, Johns Hopkins University
Classification: Uncertain significance for Cystic fibrosis. Last evaluated: 2023-09-13. Review status: criteria provided, single submitter. Criteria: ACMG Guidelines, 2015. Collection method: clinical testing. Allele origin: germline.
Comment: CFTR c.3485G>A has been identified as a single heterozygous variant in two individuals with features of cystic fibrosis, but not a classic cystic fibrosis phenotype. This CFTR variant (rs1800120) is rare (<0.1%) in a large population dataset (gnomADv2.1.1: 25/282012 total alleles; 0.009%; no homozygotes) and has been reported in ClinVar (Variation ID: 555228). Of two bioinformatics tools queried, one predicts that the substitution would be damaging, while the second predicts that it would be tolerated. The arginine residue at this position is evolutionarily conserved across all species assessed. We consider the clinical significance of CFTR c.3485G>A to be uncertain at this time.

GeneDx
Classification: Uncertain significance. Last evaluated: 2023-03-27. Review status: criteria provided, single submitter. Criteria: GeneDx Variant Classification Process June 2021. Collection method: clinical testing. Allele origin: germline. Affected: yes.
Comment: Observed in individuals with features of cystic fibrosis who also harbored second CFTR variants, but familial segregation and additional clinical information was not provided (Banjar et al., 2020); Observed in an individual with alcohol-related pancreatitis and an individual with frequent pneumonias, pancreatic sufficiency, and a normal sweat chloride test (Monaghan et al., 2000; Strandvik et al., 2001); In silico analysis supports that this missense variant has a deleterious effect on protein structure/function; This variant is associated with the following publications: (PMID: 34426522, 23974870, 25033378, 32292813, 34996830, 30938940, 10982968, 32026723, 11788090)

Ambry Genetics
Classification: Uncertain significance for Cystic fibrosis. Last evaluated: 2023-02-10. Review status: criteria provided, single submitter. Criteria: Ambry Variant Classification Scheme 2023. Collection method: clinical testing. Allele origin: germline.
Comment: The p.R1162Q variant (also known as c.3485G>A), located in coding exon 22 of the CFTR gene, results from a G to A substitution at nucleotide position 3485. The arginine at codon 1162 is replaced by glutamine, an amino acid with highly similar properties. This variant was reported in one individual with frequent pneumonia who had normal pancreatic function and sweat chloride levels; this individual did not have a second CFTR alteration (Strandvik B et al. Genet. Test., 2001;5:235-42). R1162 is located at the hinge region of the CFTR protein and may also act as an anchor (LaRusch J et al. PLoS Genet., 2014 Jul;10:e1004376). However, functional studies of a different variant at the same position (p.R1162L) demonstrated normal CFTR protein processing and chloride conductance (Sosnay PR et al. Nat. Genet., 2013 Oct;45:1160-7). This amino acid position is highly conserved in available vertebrate species. In addition, p.R1162Q is predicted to be deleterious by in silico analysis. Since supporting evidence is limited at this time, the clinical significance of this alteration remains unclear.

Labcorp Genetics (formerly Invitae), Labcorp
Classification: Uncertain significance for Cystic fibrosis. Last evaluated: 2022-09-27. Review status: criteria provided, single submitter. Criteria: Invitae Variant Classification Sherloc (09022015). Collection method: clinical testing. Allele origin: germline.
Comment: This sequence change replaces arginine, which is basic and polar, with glutamine, which is neutral and polar, at codon 1162 of the CFTR protein (p.Arg1162Gln). This variant is present in population databases (rs1800120, gnomAD 0.02%). This missense change has been observed in individual(s) with clinical features of cystic fibrosis and/or cystic fibrosis (PMID: 11788090, 30938940, 32026723). ClinVar contains an entry for this variant (Variation ID: 555228). Advanced modeling of protein sequence and biophysical properties (such as structural, functional, and spatial information, amino acid conservation, physicochemical variation, residue mobility, and thermodynamic stability) performed at Invitae indicates that this missense variant is expected to disrupt CFTR protein function. In summary, the available evidence is currently insufficient to determine the role of this variant in disease. Therefore, it has been classified as a Variant of Uncertain Significance.

Revvity Omics, Revvity
Classification: Uncertain significance. Last evaluated: 2022-07-19. Review status: criteria provided, single submitter. Criteria: ACMG Guidelines, 2015. Collection method: clinical testing. Allele origin: germline.